The following is an entry in ClinVar:

ClinVar aggregate classification (germline): Likely pathogenic (1 of 4 stars; one submission).

Allele frequency attached by ClinVar (database versions not stated): TOPMed below 0.00001; gnomAD exomes 0.00001.

Submission:

Labcorp Genetics (formerly Invitae), Labcorp
Classification: Likely pathogenic. Last evaluated: 2024-09-27. Review status: criteria provided, single submitter. Criteria: Invitae Variant Classification Sherloc (09022015). Collection method: clinical testing. Allele origin: germline.
Comment: This sequence change replaces glycine, which is neutral and non-polar, with serine, which is neutral and polar, at codon 574 of the COL4A1 protein (p.Gly574Ser). This variant is not present in population databases (gnomAD no frequency). This variant has not been reported in the literature in individuals affected with COL4A1-related conditions. An algorithm developed to predict the effect of missense changes on protein structure and function (PolyPhen-2) suggests that this variant is likely to be tolerated. This variant disrupts the triple helix domain of COL4A1. Glycine residues within the Gly-Xaa-Yaa repeats of the triple helix domain are required for the structure and stability of fibrillar collagens (PMID: 7695699, 8218237, 19344236). In COL4A1 variants affecting these glycine residues are significantly enriched in individuals with disease (PMID: 9016532, 17078022) compared to the general population (ExAC). In summary, the currently available evidence indicates that the variant is pathogenic, but additional data are needed to prove that conclusively. Therefore, this variant has been classified as Likely Pathogenic.

Literature cited by the submitters: PubMed 7695699; PubMed 8218237; PubMed 19344236; PubMed 9016532; PubMed 17078022.

NM_001845.6(COL4A1):c.1720G>A (p.Gly574Ser)

Gene: COL4A1 (collagen type IV alpha 1 chain; minus strand). Cytogenetic location: 13q34.
Variant type: single nucleotide variant.
Coding change: c.1720G>A on transcript NM_001845.6 (MANE Select); coding-DNA position 1720, G replaced by A.
Protein change: p.Gly574Ser; replaces glycine 574 with serine.
Molecular consequence: missense variant.
Genome position (GRCh38, 1-based): chr13:110,187,146, C>T on the plus strand (G>A on the coding strand, the complement: COL4A1 is on the minus strand). VCF-style: chr13-110187146-C-T. GRCh37 (hg19) VCF-style: chr13-110839493-C-T.
Other names: short protein forms G574S.
Identifiers: ClinVar variation 2902265 (VCV002902265.3), dbSNP rs1443471859, ClinGen allele CA388722863.
Genomic context (GRCh38, chr13:110,187,146, plus strand): 5'-TTTGCAGATCCACACTGTAAAATGCACATTCAAAGTCTGGAGATAAACATACCGGCGAGC[C>T]CTTGGGGCCAGGAAGACCCGGATGGCCATCTCTTCCAGGAGAACCCGCTCTCCCTGGCAT-3'
Protein context (NP_001836.3, residues 564-584): DGHPGLPGPK[Gly574Ser]SPGSVGLKGE